The following is an entry in ClinVar:

ClinVar aggregate classification (germline): Pathogenic (1 of 4 stars; one submission).

Submission:

Labcorp Genetics (formerly Invitae), Labcorp
Classification: Pathogenic. Last evaluated: 2024-05-09. Review status: criteria provided, single submitter. Criteria: Invitae Variant Classification Sherloc (09022015). Collection method: clinical testing. Allele origin: germline.
Comment: This sequence change creates a premature translational stop signal (p.Trp616*) in the SLC20A2 gene. While this is not anticipated to result in nonsense mediated decay, it is expected to disrupt the last 37 amino acid(s) of the SLC20A2 protein. This variant is not present in population databases (gnomAD no frequency). This premature translational stop signal has been observed in individuals with primary basal ganglia calcification (PMID: 27777849; Invitae). Algorithms developed to predict the effect of variants on gene product structure and function are not available or were not evaluated for this variant. Experimental studies have shown that this premature translational stop signal affects SLC20A2 function (PMID: 30704756). This variant disrupts a region of the SLC20A2 protein in which other variant(s) (p.Ser637Arg) have been observed in individuals with SLC20A2-related conditions (PMID: 24463626). This suggests that this is a clinically significant region of the protein, and that variants that disrupt it are likely to be disease-causing. For these reasons, this variant has been classified as Pathogenic.

Literature cited by the submitters: PubMed 27777849; PubMed 30704756; PubMed 24463626.

NM_001257180.2(SLC20A2):c.1848G>A (p.Trp616Ter)

Gene: SLC20A2 (solute carrier family 20 member 2; minus strand). Cytogenetic location: 8p11.21.
Variant type: single nucleotide variant.
Coding change: c.1848G>A on transcript NM_001257180.2 (MANE Select); coding-DNA position 1848, G replaced by A.
Protein change: p.Trp616Ter; replaces tryptophan 616 with a stop codon.
Molecular consequence: nonsense.
Genome position (GRCh38, 1-based): chr8:42,417,914, C>T on the plus strand (G>A on the coding strand, the complement: SLC20A2 is on the minus strand). VCF-style: chr8-42417914-C-T. GRCh37 (hg19) VCF-style: chr8-42275432-C-T.
Other names: c.1848G>A, p.Trp616Ter (NM_001257181.2, NM_006749.5); short protein forms W616*.
Identifiers: ClinVar variation 3704396 (VCV003704396.2).